The following is an entry in ClinVar:

ClinVar aggregate classification (germline): Uncertain significance. Review status: criteria provided, multiple submitters, no conflicts (2 of 4 stars). 2 submissions from 2 submitters: Uncertain significance (2). Last evaluated 2025-07-13.

Conditions:
Hereditary cancer-predisposing syndrome. Also called: Hereditary Cancer Syndrome; Hereditary neoplastic syndrome; Tumor predisposition; Neoplastic Syndromes, Hereditary. Identifiers: Orphanet 140162, MedGen C0027672, MeSH D009386, MONDO:0015356.

Allele frequency attached by ClinVar (database versions not stated): gnomAD exomes below 0.00001; ExAC 0.00001; TOPMed 0.00002.
gnomAD v4.1: 1 of 1,612,834 alleles (0.000062%); highest among the groups gnomAD compares: Admixed American, 0.0017%; no homozygotes.

Submissions (2):

Ambry Genetics
Classification: Uncertain significance for Hereditary cancer-predisposing syndrome. Last evaluated: 2025-07-13. Review status: criteria provided, single submitter. Criteria: Ambry Variant Classification Scheme 2023. Collection method: clinical testing. Allele origin: germline.
Comment: The p.I153N variant (also known as c.458T>A), located in coding exon 6 of the POLE gene, results from a T to A substitution at nucleotide position 458. The isoleucine at codon 153 is replaced by asparagine, an amino acid with dissimilar properties. This amino acid position is conserved. In addition, the in silico prediction for this alteration is inconclusive. Since supporting evidence is limited at this time, the clinical significance of this alteration remains unclear.

Labcorp Genetics (formerly Invitae), Labcorp
Classification: Uncertain significance. Last evaluated: 2024-11-05. Review status: criteria provided, single submitter. Criteria: Invitae Variant Classification Sherloc (09022015). Collection method: clinical testing. Allele origin: germline.
Comment: This sequence change replaces isoleucine, which is neutral and non-polar, with asparagine, which is neutral and polar, at codon 153 of the POLE protein (p.Ile153Asn). This variant is present in population databases (rs750863447, gnomAD 0.003%). This variant has not been reported in the literature in individuals affected with POLE-related conditions. ClinVar contains an entry for this variant (Variation ID: 843771). Invitae Evidence Modeling of protein sequence and biophysical properties (such as structural, functional, and spatial information, amino acid conservation, physicochemical variation, residue mobility, and thermodynamic stability) indicates that this missense variant is expected to disrupt POLE protein function with a positive predictive value of 80%. In summary, the available evidence is currently insufficient to determine the role of this variant in disease. Therefore, it has been classified as a Variant of Uncertain Significance.

NM_006231.4(POLE):c.458T>A (p.Ile153Asn)

Gene: POLE (DNA polymerase epsilon, catalytic subunit; minus strand). Cytogenetic location: 12q24.33.
Variant type: single nucleotide variant.
Coding change: c.458T>A on transcript NM_006231.4 (MANE Select); coding-DNA position 458, T replaced by A.
Protein change: p.Ile153Asn; replaces isoleucine 153 with asparagine.
Molecular consequence: missense variant.
Genome position (GRCh38, 1-based): chr12:132,679,617, A>T on the plus strand (T>A on the coding strand, the complement: POLE is on the minus strand). VCF-style: chr12-132679617-A-T. GRCh37 (hg19) VCF-style: chr12-133256203-A-T.
Other names: short protein forms I153N.
Identifiers: ClinVar variation 843771 (VCV000843771.11), dbSNP rs750863447, ClinGen allele CA6894311.